The following is an entry in ClinVar:

ClinVar aggregate classification (germline): Uncertain significance. Review status: criteria provided, multiple submitters, no conflicts (2 of 4 stars). 4 submissions from 4 submitters: Uncertain significance (3). 1 of the submissions does not count toward it. Last evaluated 2025-09-04.

Conditions:
ATP8B1-related disorder. Also called: ATP8B1-related condition; ATP8B1-related disorders.
Inborn genetic diseases. Identifiers: MedGen C0950123, MeSH D030342.

Allele frequency attached by ClinVar (database versions not stated): gnomAD 0.00008 and 0.00009; TOPMed 0.00007; ESP Exome Variant Server 0.00008.
gnomAD v4.1: 58 of 1,613,966 alleles (0.0036%); highest among the groups gnomAD compares: African/African-American, 0.017%; no homozygotes.

Submissions (4):

Ambry Genetics
Classification: Uncertain significance for Inborn genetic diseases. Last evaluated: 2025-09-04. Review status: criteria provided, single submitter. Criteria: Ambry Variant Classification Scheme 2023. Collection method: clinical testing. Allele origin: germline.

Mayo Clinic Laboratories, Mayo Clinic
Classification: Uncertain significance. Last evaluated: 2025-08-14. Review status: criteria provided, single submitter. Criteria: ACMG Guidelines, 2015. Collection method: clinical testing. Allele origin: germline. Observed: 1 variant allele.
Comment: BP4_moderate

Eurofins Ntd Llc (ga)
Classification: Uncertain significance. Last evaluated: 2018-06-07. Review status: criteria provided, single submitter. Criteria: EGL ClinVar v180209 classification definitions. Collection method: clinical testing. Allele origin: germline. Observed: 1 variant allele, 1 heterozygote.

PreventionGenetics, part of Exact Sciences
Classification: Uncertain significance for ATP8B1-related condition. Last evaluated: 2023-12-20. Review status: no assertion criteria provided. Collection method: clinical testing. Allele origin: germline. Not counted in ClinVar's aggregate classification.
Comment: The ATP8B1 c.2380G>A variant is predicted to result in the amino acid substitution p.Gly794Ser. To our knowledge, this variant has not been reported in the literature. This variant is reported in 0.028% of alleles in individuals of African descent in gnomAD. At this time, the clinical significance of this variant is uncertain due to the absence of conclusive functional and genetic evidence.

NM_001374385.1(ATP8B1):c.2380G>A (p.Gly794Ser)

Genes: ATP8B1 (ATPase phospholipid transporting 8B1; minus strand), ATP8B1-AS1 (ATP8B1 antisense RNA 1; plus strand). Cytogenetic location: 18q21.31.
Variant type: single nucleotide variant.
Coding change: c.2380G>A on transcript NM_001374385.1 (MANE Select); coding-DNA position 2380, G replaced by A.
Protein change: p.Gly794Ser; replaces glycine 794 with serine.
Molecular consequence: missense variant.
Genome position (GRCh38, 1-based): chr18:57,662,521, C>T on the plus strand (G>A on the coding strand, the complement: ATP8B1 is on the minus strand). VCF-style: chr18-57662521-C-T. GRCh37 (hg19) VCF-style: chr18-55329753-C-T.
Other names: p.Gly794Ser; c.2380G>A (NM_005603.4); c.2230G>A, p.Gly744Ser (NM_001374386.1); c.2380G>A, p.Gly794Ser (NM_005603.6); short protein forms G794S, G744S.
Identifiers: ClinVar variation 597489 (VCV000597489.9), dbSNP rs371546596, ClinGen allele CA8974272.